The following is an entry in ClinVar:

NM_004656.4(BAP1):c.41T>A (p.Leu14His)

Gene: BAP1 (BRCA1 associated deubiquitinase 1; minus strand). Cytogenetic location: 3p21.1.
Variant type: single nucleotide variant.
Coding change: c.41T>A on transcript NM_004656.4 (MANE Select); coding-DNA position 41, T replaced by A.
Protein change: p.Leu14His; replaces leucine 14 with histidine.
Molecular consequence: missense variant.
Genome position (GRCh38, 1-based): chr3:52,409,740, A>T on the plus strand (T>A on the coding strand, the complement: BAP1 is on the minus strand). VCF-style: chr3-52409740-A-T. GRCh37 (hg19) VCF-style: chr3-52443756-A-T.
Other names: c.41T>A (NM_004656.2); short protein forms L14H.
Identifiers: ClinVar variation 1466333 (VCV001466333.9), dbSNP rs2153228633, ClinGen allele CA353114981.
Genomic context (GRCh38, chr3:52,409,740, plus strand): 5'-CAGCCCCGGTCCGGCAGGGAGAAAAGGCTCTTACCGAAATCTTCCACGAGCAGGGTGAAG[A>T]GGCCTGGGTGGGGCGACAAGAGGAGGGGGTGATGGTCAGGCAGGCGCGTCCCGGGCCCAT-3'
Protein context (NP_004647.1, residues 4-24): GWLELESDPG[Leu14His]FTLLVEDFGV

ClinVar aggregate classification (germline): Uncertain significance. Review status: criteria provided, multiple submitters, no conflicts (2 of 4 stars). 2 submissions from 2 submitters: Uncertain significance (2). Last evaluated 2025-06-16.

Conditions:
Hereditary cancer-predisposing syndrome. Also called: Tumor predisposition; Hereditary Cancer Syndrome; Hereditary neoplastic syndrome; Neoplastic Syndromes, Hereditary. Identifiers: Orphanet 140162, MedGen C0027672, MeSH D009386, MONDO:0015356.
BAP1-related tumor predisposition syndrome (TPDS1). Also called: COMMON Syndrome; BAP1 tumor predisposition syndrome; Tumor susceptibility linked to germline BAP1 mutations; TUMOR PREDISPOSITION SYNDROME 1. Identifiers: Orphanet 289539, MedGen C3280492, MONDO:0013692, OMIM 614327.

Submissions (2):

Ambry Genetics
Classification: Uncertain significance for Hereditary cancer-predisposing syndrome. Last evaluated: 2025-06-16. Review status: criteria provided, single submitter. Criteria: Ambry Variant Classification Scheme 2023. Collection method: clinical testing. Allele origin: germline.
Comment: The p.L14H variant (also known as c.41T>A), located in coding exon 2 of the BAP1 gene, results from a T to A substitution at nucleotide position 41. The leucine at codon 14 is replaced by histidine, an amino acid with similar properties. This variant was identified in one or more individuals with features consistent with BAP1-related tumor predisposition syndrome and segregated with disease in at least one family (Farley MN et al. Mol Cancer Res, 2013 Sep;11:1061-1071). This amino acid position is highly conserved in available vertebrate species. In addition, this alteration is predicted to be deleterious by in silico analysis. Based on the available evidence, the clinical significance of this variant remains unclear.

Labcorp Genetics (formerly Invitae), Labcorp
Classification: Uncertain significance for BAP1-related tumor predisposition syndrome. Last evaluated: 2021-04-21. Review status: criteria provided, single submitter. Criteria: Invitae Variant Classification Sherloc (09022015). Collection method: clinical testing. Allele origin: germline.
Comment: In summary, the available evidence is currently insufficient to determine the role of this variant in disease. Therefore, it has been classified as a Variant of Uncertain Significance. Algorithms developed to predict the effect of missense changes on protein structure and function (SIFT, PolyPhen-2, Align-GVGD) all suggest that this variant is likely to be disruptive, but these predictions have not been confirmed by published functional studies and their clinical significance is uncertain. This variant has been observed in individual(s) with clear cell renal cell carcinoma (PMID: 23709298). This sequence change replaces leucine with histidine at codon 14 of the BAP1 protein (p.Leu14His). The leucine residue is highly conserved and there is a moderate physicochemical difference between leucine and histidine. This variant is not present in population databases (ExAC no frequency).

Literature cited by the submitters: PubMed 23709298 (cited by Ambry Genetics and Labcorp Genetics (formerly Invitae), Labcorp).